The following is an entry in ClinVar:

ClinVar aggregate classification (germline): Uncertain significance. Review status: criteria provided, multiple submitters, no conflicts (2 of 4 stars). 2 submissions from 2 submitters: Uncertain significance (2). Last evaluated 2025-09-24.

Conditions:
Inborn genetic diseases. Identifiers: MedGen C0950123, MeSH D030342.

Allele frequency attached by ClinVar (database versions not stated): gnomAD 0.00004; ESP Exome Variant Server 0.00008.
gnomAD v4.1: 17 of 1,607,554 alleles (0.0011%); highest among the groups gnomAD compares: African/African-American, 0.021%; no homozygotes.

Submissions (2):

Women's Health and Genetics/Laboratory Corporation of America, LabCorp
Classification: Uncertain significance. Last evaluated: 2025-09-24. Review status: criteria provided, single submitter. Criteria: LabCorp Variant Classification Summary - May 2015. Collection method: clinical testing. Allele origin: germline.
Comment: Variant summary: ADGRG6 c.1109G>T (p.Ser370Ile) results in a non-conservative amino acid change in the encoded protein sequence. Algorithms developed to predict the effect of missense changes on protein structure and function are either unavailable or do not agree on the potential impact of this missense change. The variant allele was found at a frequency of 2.5e-05 in 242346 control chromosomes. The available data on variant occurrences in the general population are insufficient to allow any conclusion about variant significance. To our knowledge, no occurrence of c.1109G>T in individuals affected with ADGRG6-related conditions and no experimental evidence demonstrating its impact on protein function have been reported. ClinVar contains an entry for this variant (Variation ID: 2623363). Based on the evidence outlined above, the variant was classified as uncertain significance.

Ambry Genetics
Classification: Uncertain significance for Inborn genetic diseases. Last evaluated: 2023-09-13. Review status: criteria provided, single submitter. Criteria: Ambry Variant Classification Scheme 2023. Collection method: clinical testing. Allele origin: germline.

NM_198569.3(ADGRG6):c.1109G>T (p.Ser370Ile)

Gene: ADGRG6 (adhesion G protein-coupled receptor G6; plus strand). Cytogenetic location: 6q24.2.
Variant type: single nucleotide variant.
Coding change: c.1109G>T on transcript NM_198569.3 (MANE Select); coding-DNA position 1109, G replaced by T.
Protein change: p.Ser370Ile; replaces serine 370 with isoleucine.
Molecular consequence: missense variant.
Genome position (GRCh38, 1-based): chr6:142,381,990, G>T. VCF-style: chr6-142381990-G-T. GRCh37 (hg19) VCF-style: chr6-142703127-G-T.
Other names: c.1109G>T, p.Ser370Ile (NM_001032394.3, NM_001032395.3, NM_020455.6); short protein forms S370I.
Identifiers: ClinVar variation 2623363 (VCV002623363.3), dbSNP rs376452752, ClinGen allele CA4026792.